The following is an entry in ClinVar:

NM_001005242.3(PKP2):c.261C>T (p.Val87=)

Gene: PKP2 (plakophilin 2; minus strand). Cytogenetic location: 12p11.21.
Variant type: single nucleotide variant.
Coding change: c.261C>T on transcript NM_001005242.3 (MANE Select); coding-DNA position 261, C replaced by T.
Protein change: p.Val87=; no amino-acid change (valine 87 retained).
Molecular consequence: synonymous variant. On other transcripts: 5 prime UTR variant (4).
Genome position (GRCh38, 1-based): chr12:32,878,995, G>A on the plus strand (C>T on the coding strand, the complement: PKP2 is on the minus strand). VCF-style: chr12-32878995-G-A. GRCh37 (hg19) VCF-style: chr12-33031929-G-A.
Other names: c.261C>T, p.Val87= (NM_001407155.1, NM_001407156.1, NM_001407157.1 and 2 more transcripts); c.-67C>T (NM_001407158.1, NM_001407159.1, NM_001407160.1 and 1 more transcripts).
Identifiers: ClinVar variation 3018358 (VCV003018358.5), dbSNP rs767093212, ClinGen allele CA036331.

ClinVar aggregate classification (germline): Likely benign. Review status: criteria provided, multiple submitters, no conflicts (2 of 4 stars). 3 submissions from 3 submitters: Likely benign (3). Last evaluated 2024-07-11.

Conditions:
Arrhythmogenic right ventricular cardiomyopathy (ARVD). Also called: Arrhythmogenic right ventricular dysplasia; Cardiomyopathy, ARVC; Arrhythmogenic cardiomyopathy; Arrhythmogenic Right Ventricular Cardiomyopathy (ARVC). Identifiers: Orphanet 247, MedGen C0349788, MeSH D019571, MONDO:0016587. Disease mechanism: loss of function. Inheritance: Various modes of inheritance.
Arrhythmogenic right ventricular dysplasia 9 (ARVD9). Also called: Arrhythmogenic Right Ventricular Dysplasia/Cardiomyopathy 9; ARRHYTHMOGENIC RIGHT VENTRICULAR DYSPLASIA, FAMILIAL, 9. Identifiers: MedGen C1836906, MONDO:0012180, OMIM 609040.
Cardiomyopathy (CMYO). Also called: Cardiomyopathies. Identifiers: Orphanet 167848, MedGen C0878544, MONDO:0004994, HP:0001638. Inheritance: Various modes of inheritance.

Allele frequency attached by ClinVar (database versions not stated): ExAC 0.00001.

Submissions (3):

Labcorp Genetics (formerly Invitae), Labcorp
Classification: Likely benign for Arrhythmogenic right ventricular dysplasia 9. Last evaluated: 2024-07-11. Review status: criteria provided, single submitter. Criteria: Invitae Variant Classification Sherloc (09022015). Collection method: clinical testing. Allele origin: germline.

All of Us Research Program, National Institutes of Health
Classification: Likely benign for Arrhythmogenic right ventricular cardiomyopathy. Last evaluated: 2023-11-20. Review status: criteria provided, single submitter. Criteria: ACMG Guidelines, 2015. Collection method: clinical testing. Allele origin: germline. Inheritance: Autosomal dominant inheritance. Observed: 1 variant allele, 1 heterozygote.
Comment: This study involves interpretation of variants in research participants for the purpose of population health screening. Participant phenotype was not available at the time of variant classification. Additional details can be found in publication PMID: 35346344, PMCID: PMC8962531

Color Diagnostics, LLC DBA Color Health
Classification: Likely benign for Cardiomyopathy. Last evaluated: 2023-10-25. Review status: criteria provided, single submitter. Criteria: ACMG Guidelines, 2015. Collection method: clinical testing. Allele origin: germline.